The following is an entry in ClinVar:

ClinVar aggregate classification (germline): Likely pathogenic (1 of 4 stars; one submission).

Conditions:
Cataract 16 multiple types. Also called: CATARACT 16, CONGENITAL LAMELLAR; CATARACT, CONGENITAL LAMELLAR; CATARACT 16, POSTERIOR POLAR. Identifiers: Orphanet 91492, Orphanet 98992, Orphanet 98993, Orphanet 98995, MedGen C3808377, MONDO:0013411, OMIM 613763.
Dilated cardiomyopathy 1II (CMD1II). Identifiers: Orphanet 154, MedGen C3554649, MONDO:0014073, OMIM 615184.

Submission:

Human Genetics Bochum, Ruhr University Bochum
Classification: Likely pathogenic for Dilated cardiomyopathy 1II; Cataract 16 multiple types. Last evaluated: 2025-08-11. Review status: criteria provided, single submitter. Criteria: ACMG Guidelines, 2015. Collection method: clinical testing. Allele origin: germline. Affected: yes.
Comment: ACMG criteria used to clasify this variant: PS3_MOD, PM4, PM2_SUP, PP1

Literature cited by the submitters: PubMed 38212463; PubMed 23590293; PubMed 33272090.

NM_001289808.2(CRYAB):c.527A>G (p.Ter176Trp)

Gene: CRYAB (crystallin alpha B; minus strand). Cytogenetic location: 11q23.1.
Variant type: single nucleotide variant.
Coding change: c.527A>G on transcript NM_001289808.2 (MANE Select); coding-DNA position 527, A replaced by G.
Protein change: p.Ter176Trp.
Molecular consequence: stop lost.
Genome position (GRCh38, 1-based): chr11:111,908,765, T>C on the plus strand (A>G on the coding strand, the complement: CRYAB is on the minus strand). VCF-style: chr11-111908765-T-C. GRCh37 (hg19) VCF-style: chr11-111779489-T-C.
Other names: c.527A>G, p.Ter176Trp (NM_001289807.1, NM_001368245.1, NM_001885.3); c.326A>G, p.Ter109Trp (NM_001330379.1, NM_001368246.1).
Identifiers: ClinVar variation 4687943 (VCV004687943.1).
Genomic context (GRCh38, chr11:111,908,765, plus strand): 5'-TTTCATTCACTGGTGGGGAAACTTTCTTGTTTTAAAAAATGCAATTCAAGAAAGGGCATC[T>C]ATTTCTTGGGGGCTGCGGTGACAGCAGGCTTCTCTTCACGGGTGATGGGAATGGTGCGCT-3'